The following is an entry in ClinVar:

NM_001126108.2(SLC12A3):c.1387G>A (p.Gly463Arg)

Gene: SLC12A3 (solute carrier family 12 member 3; plus strand). Cytogenetic location: 16q13.
Variant type: single nucleotide variant.
Coding change: c.1387G>A on transcript NM_001126108.2 (MANE Select); coding-DNA position 1387, G replaced by A.
Protein change: p.Gly463Arg; replaces glycine 463 with arginine.
Molecular consequence: missense variant.
Genome position (GRCh38, 1-based): chr16:56,879,593, G>A. VCF-style: chr16-56879593-G-A. GRCh37 (hg19) VCF-style: chr16-56913505-G-A.
Other names: c.1387G>A, p.Gly463Arg (NM_000339.3); c.1384G>A, p.Gly462Arg (NM_001126107.2); short protein forms G463R, G462R.
Identifiers: ClinVar variation 319903 (VCV000319903.26), dbSNP rs374163823, ClinGen allele CA8069451.
Genomic context (GRCh38, chr16:56,879,593, plus strand): 5'-TCCCCACAGACCATGAGCATGGTGTCAGGCTTCGCGCCCCTGATCACGGCTGGCATCTTC[G>A]GGGCCACCCTCTCCTCTGCCCTGGCCTGCCTTGTCTCTGCTGCCAAAGTCTTCCAGGTGA-3'
Protein context (NP_001119580.2, residues 453-473): FAPLITAGIF[Gly463Arg]ATLSSALACL

ClinVar aggregate classification (germline): Pathogenic/Likely pathogenic. Review status: criteria provided, multiple submitters, no conflicts (2 of 4 stars). 12 submissions from 12 submitters: Pathogenic (8); Likely pathogenic (2). 2 of the submissions do not count toward it. Last evaluated 2026-06-25.

Conditions:
SLC12A3-related disorder. Also called: SLC12A3-related condition.
Familial hypokalemia-hypomagnesemia (GTLMNS). Also called: HYPOMAGNESEMIA-HYPOKALEMIA, PRIMARY RENOTUBULAR, WITH HYPOCALCIURIA; POTASSIUM AND MAGNESIUM DEPLETION; gitelman syndrome. Identifiers: Orphanet 358, MedGen C0268450, MONDO:0009904, OMIM 263800.

Allele frequency attached by ClinVar (database versions not stated): ExAC 0.00003; gnomAD 0.00003 and 0.00004; gnomAD exomes 0.00003; TOPMed 0.00003; ESP Exome Variant Server 0.00008.
gnomAD v4.1: 64 of 1,613,544 alleles (0.004%); highest among the groups gnomAD compares: Non-Finnish European, 0.0047%; no homozygotes.

Submissions (12):

Women's Health and Genetics/Laboratory Corporation of America, LabCorp
Classification: Pathogenic for Familial hypokalemia-hypomagnesemia. Last evaluated: 2026-06-25. Review status: criteria provided, single submitter. Criteria: LabCorp Variant Classification Summary - May 2015. Collection method: clinical testing. Allele origin: germline.
Comment: Variant summary: SLC12A3 c.1387G>A (p.Gly463Arg) results in a non-conservative amino acid change in the encoded protein sequence. Algorithms developed to predict the effect of missense changes on protein structure and function all suggest that this variant is likely to be disruptive. The variant allele was found at a frequency of 2.8e-05 in 251074 control chromosomes. c.1387G>A has been observed in botu compound heterozygous and homozygous individuals affected with Familial Hypokalemia-Hypomagnesemia (Vargas-Poussou_2011, Hureaux_2019, Nicolet-Barousse_2005, Arce_2025). These data indicate that the variant is likely to be associated with disease. At least one publication reports experimental evidence evaluating an impact on protein function (Valdez-Flores_2016). The most pronounced variant effect results in 30%-50% of normal activity. Internally validated machine learning-based Evidence Modelingof protein sequence and biophysical properties (such as structural, functional, and spatial information, amino acid conservation, physicochemical variation, residue mobility, and thermodynamic stability) indicates that this missense variant is expected to disrupt SLC12A3 protein function with a positive predictive value of at least 95%. The following publications have been ascertained in the context of this evaluation (PMID: 40547410, 31672324, 15824853, 27582097, 21415153). ClinVar contains an entry for this variant (Variation ID: 319903). Based on the evidence outlined above, the variant was classified as pathogenic.

Natera, Inc.
Classification: Pathogenic for Gitelman syndrome. Last evaluated: 2025-12-23. Review status: criteria provided, single submitter. Criteria: Natera Variant Classification Schema (03/2026). Collection method: clinical testing. Allele origin: germline.
Comment: The c.1387G>A variant in SLC12A3 is a missense variant predicted to cause substitution of glycine to arginine at amino acid 463. This variant is rare in the general population with a frequency below the threshold expected for the associated phenotype(s). This variant has been observed in one or more individuals affected with the associated recessive disease, as either homozygous or compound heterozygous with a second variant (PMID: 31672324). Computational prediction algorithms indicate this variant is likely to affect gene or protein function. Given the available evidence, this variant is classified as Pathogenic.

GeneDx
Classification: Pathogenic. Last evaluated: 2025-11-18. Review status: criteria provided, single submitter. Criteria: GeneDx Variant Classification Process June 2021. Collection method: clinical testing. Allele origin: germline. Affected: yes.
Comment: Published functional studies demonstrate a marked reduction in thiazide-sensitive NaCl cotransporter activity in cells expressing G463R compared to cells expressing wild-type protein (PMID: 27582097); In silico analysis suggests that this missense variant does not alter protein structure/function; This variant is associated with the following publications: (PMID: 21415153, 31672324, 34426522, 32140910, 15824853, 40547410, 36314956, 27582097)

Labcorp Genetics (formerly Invitae), Labcorp
Classification: Pathogenic. Last evaluated: 2025-07-08. Review status: criteria provided, single submitter. Criteria: Invitae Variant Classification Sherloc (09022015). Collection method: clinical testing. Allele origin: germline.
Comment: This sequence change replaces glycine, which is neutral and non-polar, with arginine, which is basic and polar, at codon 463 of the SLC12A3 protein (p.Gly463Arg). This variant is present in population databases (rs374163823, gnomAD 0.006%). This missense change has been observed in individuals with Gitelman syndrome (PMID: 15824853, 21415153, 31672324). ClinVar contains an entry for this variant (Variation ID: 319903). Invitae Evidence Modeling of protein sequence and biophysical properties (such as structural, functional, and spatial information, amino acid conservation, physicochemical variation, residue mobility, and thermodynamic stability) indicates that this missense variant is expected to disrupt SLC12A3 protein function with a positive predictive value of 95%. Experimental studies have shown that this missense change affects SLC12A3 function (PMID: 27582097). For these reasons, this variant has been classified as Pathogenic.

Revvity Omics, Revvity
Classification: Pathogenic for Familial hypokalemia-hypomagnesemia. Last evaluated: 2025-03-04. Review status: criteria provided, single submitter. Criteria: ACMG Guidelines, 2015. Collection method: clinical testing. Allele origin: germline.

Fulgent Genetics
Classification: Pathogenic for Familial hypokalemia-hypomagnesemia. Last evaluated: 2024-06-11. Review status: criteria provided, single submitter. Criteria: ACMG Guidelines, 2015. Collection method: clinical testing. Allele origin: germline.

European Hospital Georges Pompidou Genetics Department, Assistance Publique - Hôpitaux de Paris AP-HP
Classification: Pathogenic for Familial hypokalemia-hypomagnesemia. Last evaluated: 2022-04-27. Review status: criteria provided, single submitter. Criteria: ACMG Guidelines, 2015. Collection method: clinical testing. Allele origin: germline. Affected: yes.
Comment: ACMG criteria used:PS3, PS4, PM1, PM2,PM5 PP3, PP5

Genome-Nilou Lab
Classification: Likely pathogenic for Familial hypokalemia-hypomagnesemia. Last evaluated: 2021-07-15. Review status: criteria provided, single submitter. Criteria: ACMG Guidelines, 2015. Collection method: clinical testing. Allele origin: germline. Affected: no.

Blueprint Genetics
Classification: Pathogenic for SLC12A3-related disorders. Last evaluated: 2021-01-15. Review status: criteria provided, single submitter. Criteria: ACMG Guidelines, 2015. Collection method: clinical testing. Allele origin: germline. Affected: yes. Observed: 5 variant alleles.

Illumina Laboratory Services, Illumina
Classification: Likely pathogenic for Familial hypokalemia-hypomagnesemia. Last evaluated: 2017-04-28. Review status: criteria provided, single submitter. Criteria: ICSL Variant Classification Criteria 09 May 2019. Collection method: clinical testing. Allele origin: germline.
Comment: The SLC12A3 c.1387G>A (p.Gly463Arg) missense variant has been reported in three studies in which it is found in two patients with Gitelman syndrome in a compound heterozygous state, one with a second missense variant and one with a deletion variant (Nicolet-Barousse et al. 2005; Vargas-Poussou et al. 2011). Valdez-Flores et al. (2016) report four unrelated families described as carrying the p.Gly463Arg variant. No details of the number of affected individuals or zygosity of the variant are given. Control data are unavailable for the p.Gly463Arg variant which is reported at a frequency of 0.000045 in the European (non-Finnish) population of the Exome Aggregation Consortium. Functional studies demonstrated in transfected HEK293 cells that the p.Gly463Arg variant caused significantly lower enzyme activity compared to wild type. Immunoblot assays also showed the p.Gly463Arg variant led to decreased protein expression and abundance in the plasma membrane (Valdez-Flores et al. 2016). Based on the evidence, the p.Gly463Arg variant is classified as likely pathogenic for Gitelman syndrome. This variant was observed by ICSL as part of a predisposition screen in an ostensibly healthy population.

Genome Diagnostics Laboratory, University Medical Center Utrecht
Classification: Likely pathogenic. Review status: no assertion criteria provided. Collection method: clinical testing. Allele origin: germline. Affected: yes. Study: VKGL Data-share Consensus. Not counted in ClinVar's aggregate classification.

Joint Genome Diagnostic Labs from Nijmegen and Maastricht, Radboudumc and MUMC+
Classification: Likely pathogenic. Review status: no assertion criteria provided. Collection method: clinical testing. Allele origin: germline. Affected: yes. Study: VKGL Data-share Consensus. Not counted in ClinVar's aggregate classification.

Literature cited by the submitters: PubMed 31672324 (cited by 3 submitters); PubMed 21415153 (cited by 3 submitters); PubMed 15824853 (cited by 3 submitters); PubMed 27582097 (cited by 3 submitters); PubMed 40547410 (cited by Women's Health and Genetics/Laboratory Corporation of America, LabCorp).